The following is an entry in ClinVar:

ClinVar aggregate classification (germline): Benign/Likely benign. Review status: criteria provided, multiple submitters, no conflicts (2 of 4 stars). 7 submissions from 7 submitters: Benign (3); Likely benign (3). 1 of the submissions does not count toward it. Last evaluated 2026-01-25.

Conditions:
IFT122-related disorder. Also called: IFT122-related condition.
Cranioectodermal dysplasia 1 (CED1). Also called: LEVIN SYNDROME I. Identifiers: Orphanet 1515, MedGen C0432235, MONDO:0021093, OMIM 218330.

Allele frequency attached by ClinVar (database versions not stated): gnomAD exomes 0.00028 and 0.00085; ExAC 0.00100; gnomAD 0.00319 and 0.00334; TOPMed 0.00338; ESP Exome Variant Server 0.00377; 1000 Genomes Project 0.00519; 1000 Genomes Project 30x 0.00578.
gnomAD v4.1: 903 of 1,614,188 alleles (0.056%); highest among the groups gnomAD compares: African/African-American, 1.1%; 5 homozygotes.

Submissions (7):

Labcorp Genetics (formerly Invitae), Labcorp
Classification: Benign for Cranioectodermal dysplasia 1. Last evaluated: 2026-01-25. Review status: criteria provided, single submitter. Criteria: Invitae Variant Classification Sherloc (09022015). Collection method: clinical testing. Allele origin: germline.

Blueprint Genetics
Classification: Likely benign. Last evaluated: 2024-10-02. Review status: criteria provided, single submitter. Criteria: ACMG Guidelines, 2015. Collection method: clinical testing. Allele origin: germline.

Fulgent Genetics
Classification: Benign for Cranioectodermal dysplasia 1. Last evaluated: 2021-07-27. Review status: criteria provided, single submitter. Criteria: ACMG Guidelines, 2015. Collection method: clinical testing. Allele origin: unknown.

GeneDx
Classification: Likely benign. Last evaluated: 2021-04-18. Review status: criteria provided, single submitter. Criteria: GeneDx Variant Classification Process June 2021. Collection method: clinical testing. Allele origin: germline. Affected: yes.

Illumina Laboratory Services, Illumina
Classification: Benign for Cranioectodermal dysplasia 1. Last evaluated: 2018-01-13. Review status: criteria provided, single submitter. Criteria: ICSL Variant Classification Criteria 13 December 2019. Collection method: clinical testing. Allele origin: germline.
Comment: This variant was observed in the ICSL laboratory as part of a predisposition screen in an ostensibly healthy population. It had not been previously curated by ICSL or reported in the Human Gene Mutation Database (HGMD: prior to June 1st, 2018), and was therefore a candidate for classification through an automated scoring system. Utilizing variant allele frequency, disease prevalence and penetrance estimates, and inheritance mode, an automated score was calculated to assess if this variant is too frequent to cause the disease. Based on the score and internal cut-off values, a variant classified as benign is not then subjected to further curation. The score for this variant resulted in a classification of benign for this disease.

Genetic Services Laboratory, University of Chicago
Classification: Likely benign. Last evaluated: 2015-04-30. Review status: criteria provided, single submitter. Criteria: ACMG Guidelines, 2015. Collection method: clinical testing. Allele origin: germline.

PreventionGenetics, part of Exact Sciences
Classification: Likely benign for IFT122-related condition. Last evaluated: 2020-03-19. Review status: no assertion criteria provided. Collection method: clinical testing. Allele origin: germline. Not counted in ClinVar's aggregate classification.
Comment: This variant is classified as likely benign based on ACMG/AMP sequence variant interpretation guidelines (Richards et al. 2015 PMID: 25741868, with internal and published modifications).

NM_052989.3(IFT122):c.1908T>C (p.Ile636=)

Gene: IFT122 (intraflagellar transport 122; plus strand). Cytogenetic location: 3q21.3.
Variant type: single nucleotide variant.
Coding change: c.1908T>C on transcript NM_052989.3 (MANE Select); coding-DNA position 1908, T replaced by C.
Protein change: p.Ile636=; no amino-acid change (isoleucine 636 retained).
Molecular consequence: synonymous variant.
Genome position (GRCh38, 1-based): chr3:129,488,313, T>C. VCF-style: chr3-129488313-T-C. GRCh37 (hg19) VCF-style: chr3-129207156-T-C.
Other names: c.1884T>C, p.Ile628= (NM_001280541.2); c.1458T>C, p.Ile486= (NM_001280545.2); c.1281T>C, p.Ile427= (NM_001280546.2); c.1731T>C, p.Ile577= (NM_018262.4); c.2061T>C, p.Ile687= (NM_052985.4); c.1575T>C, p.Ile525= (NM_052990.3).
Identifiers: ClinVar variation 211179 (VCV000211179.22), dbSNP rs139722192, ClinGen allele CA205111.